The following is an entry in ClinVar:

ClinVar aggregate classification (germline): Pathogenic (1 of 4 stars; one submission).

Conditions:
Peutz-Jeghers syndrome (PJS). Also called: POLYPOSIS, HAMARTOMATOUS INTESTINAL; POLYPS-AND-SPOTS SYNDROME; Peutz-Jeghers polyposis; Periorificial lentiginosis syndrome. Identifiers: Orphanet 2869, MedGen C0031269, MeSH D010580, MONDO:0008280, OMIM 175200.

Submission:

Labcorp Genetics (formerly Invitae), Labcorp
Classification: Pathogenic for Peutz-Jeghers syndrome. Last evaluated: 2021-09-18. Review status: criteria provided, single submitter. Criteria: Invitae Variant Classification Sherloc (09022015). Collection method: clinical testing. Allele origin: germline.
Comment: For these reasons, this variant has been classified as Pathogenic. This variant has not been reported in the literature in individuals affected with STK11-related conditions. This variant is not present in population databases (ExAC no frequency). This sequence change creates a premature translational stop signal (p.Glu223Aspfs*42) in the STK11 gene. It is expected to result in an absent or disrupted protein product. Loss-of-function variants in STK11 are known to be pathogenic (PMID: 15188174, 16287113).

Literature cited by the submitters: PubMed 15188174; PubMed 16287113.

NM_000455.5(STK11):c.669_670del (p.Glu223fs)

Gene: STK11 (serine/threonine kinase 11; plus strand). Cytogenetic location: 19p13.3.
Variant type: Microsatellite.
Coding change: c.669_670del on transcript NM_000455.5 (MANE Select); coding-DNA positions 669 to 670, 2 bases deleted (GA; older notation c.669_670delGA).
Protein change: p.Glu223fs; shifts the reading frame from glutamic acid 223.
Molecular consequence: frameshift variant.
Genome position (GRCh38, 1-based): chr19:1,220,652-1,220,653, GA deleted; deleting any 2 consecutive bases within chr19:1,220,650-1,220,653 gives the same sequence; the c. name uses the placement nearest the transcript's 3' end. VCF-style (leftmost placement, unchanged base first): chr19-1220649-CGA-C. GRCh37 (hg19) VCF-style: chr19-1220648-CGA-C.
Other names: short protein forms E223fs.
Identifiers: ClinVar variation 1404101 (VCV001404101.6), dbSNP rs2145425286, ClinGen allele CA2580613012.